The following is an entry in ClinVar:

ClinVar aggregate classification (germline): Uncertain significance (1 of 4 stars; one submission).

gnomAD v4.1: 4 of 1,613,912 alleles (0.00025%); highest among the groups gnomAD compares: Non-Finnish European, 0.00034%; no homozygotes.

Submission:

Labcorp Genetics (formerly Invitae), Labcorp
Classification: Uncertain significance. Last evaluated: 2025-05-26. Review status: criteria provided, single submitter. Criteria: Invitae Variant Classification Sherloc (09022015). Collection method: clinical testing. Allele origin: germline.
Comment: This sequence change replaces proline, which is neutral and non-polar, with leucine, which is neutral and non-polar, at codon 374 of the FLNB protein (p.Pro374Leu). This variant is not present in population databases (gnomAD no frequency). This variant has not been reported in the literature in individuals affected with FLNB-related conditions. Invitae Evidence Modeling of protein sequence and biophysical properties (such as structural, functional, and spatial information, amino acid conservation, physicochemical variation, residue mobility, and thermodynamic stability) indicates that this missense variant is not expected to disrupt FLNB protein function with a negative predictive value of 95%. In summary, the available evidence is currently insufficient to determine the role of this variant in disease. Therefore, it has been classified as a Variant of Uncertain Significance.

NM_001457.4(FLNB):c.1121C>T (p.Pro374Leu)

Gene: FLNB (filamin B; plus strand). Cytogenetic location: 3p14.3.
Variant type: single nucleotide variant.
Coding change: c.1121C>T on transcript NM_001457.4 (MANE Select); coding-DNA position 1121, C replaced by T.
Protein change: p.Pro374Leu; replaces proline 374 with leucine.
Molecular consequence: missense variant.
Genome position (GRCh38, 1-based): chr3:58,097,951, C>T. VCF-style: chr3-58097951-C-T. GRCh37 (hg19) VCF-style: chr3-58083678-C-T.
Other names: c.1121C>T, p.Pro374Leu (NM_001164317.2, NM_001164318.2, NM_001164319.2); short protein forms P374L.
Identifiers: ClinVar variation 4779947 (VCV004779947.1).
Genomic context (GRCh38, chr3:58,097,951, plus strand): 5'-CCAGTAAAGTCACTGCAAAAGGTCCAGGGTTGGAAGCTGTAGGGAACATCGCCAATAAGC[C>T]CACCTACTTTGACATCTATACGGCAGGTAACGTGCCTCTCCTCCATGGATCTGACCTTTG-3'
Protein context (NP_001448.2, residues 364-384): LEAVGNIANK[Pro374Leu]TYFDIYTAGA